The following is an entry in ClinVar:

NM_014423.4(AFF4):c.102C>G (p.Leu34=)

Gene: AFF4 (ALF transcription elongation factor 4; minus strand). Cytogenetic location: 5q31.1.
Variant type: single nucleotide variant.
Coding change: c.102C>G on transcript NM_014423.4 (MANE Select); coding-DNA position 102, C replaced by G.
Protein change: p.Leu34=; no amino-acid change (leucine 34 retained).
Molecular consequence: synonymous variant.
Genome position (GRCh38, 1-based): chr5:132,937,088, G>C on the plus strand (C>G on the coding strand, the complement: AFF4 is on the minus strand). VCF-style: chr5-132937088-G-C. GRCh37 (hg19) VCF-style: chr5-132272780-G-C.
Other names: c.102C>G (NM_014423.3).
Identifiers: ClinVar variation 2772500 (VCV002772500.4), dbSNP rs913881152, ClinGen allele CA127296164.
Genomic context (GRCh38, chr5:132,937,088, plus strand): 5'-TGCTAATGGGAAAAAAACATTCACAGAAGGGCAACTTACAACTTTGTATGGCTCTGCAAA[G>C]AGAGGAGAGCTAGGTGGGAAGGCGTCTTCGCCCTGCTGAATTTCCTGATTCCGCCTTTCC-3'
Protein context (NP_055238.1, residues 24-44): GEDAFPPSSP[Leu34=]FAEPYKVTSK

ClinVar aggregate classification (germline): Likely benign. Review status: criteria provided, single submitter (1 of 4 stars). 2 submissions from 2 submitters: Likely benign (1). 1 of the submissions does not count toward it. Last evaluated 2024-01-25.

Conditions:
Cognitive impairment - coarse facies - heart defects - obesity - pulmonary involvement - short stature - skeletal dysplasia syndrome. Also called: Chops syndrome; AFF4-Related CHOPS Syndrome; COGNITIVE IMPAIRMENT, COARSE FACIES, HEART DEFECTS, OBESITY, PULMONARY INVOLVEMENT, SHORT STATURE, AND SKELETAL DYSPLASIA. Identifiers: Orphanet 444077, MedGen C4085597, MONDO:0014609, OMIM 616368.
AFF4-related disorder. Also called: AFF4-related condition.

Allele frequency attached by ClinVar (database versions not stated): gnomAD 0.00003; TOPMed 0.00003.
gnomAD v4.1: 10 of 1,613,290 alleles (0.00062%); highest among the groups gnomAD compares: African/African-American, 0.013%; no homozygotes.

Submissions (2):

Labcorp Genetics (formerly Invitae), Labcorp
Classification: Likely benign for Cognitive impairment - coarse facies - heart defects - obesity - pulmonary involvement - short stature - skeletal dysplasia syndrome. Last evaluated: 2024-01-25. Review status: criteria provided, single submitter. Criteria: Invitae Variant Classification Sherloc (09022015). Collection method: clinical testing. Allele origin: germline.

PreventionGenetics, part of Exact Sciences
Classification: Likely benign for AFF4-related condition. Last evaluated: 2023-08-17. Review status: no assertion criteria provided. Collection method: clinical testing. Allele origin: germline. Not counted in ClinVar's aggregate classification.
Comment: This variant is classified as likely benign based on ACMG/AMP sequence variant interpretation guidelines (Richards et al. 2015 PMID: 25741868, with internal and published modifications).